The following is an entry in ClinVar:

ClinVar aggregate classification (germline): Conflicting classifications of pathogenicity. Review status: criteria provided, conflicting classifications (1 of 4 stars). 3 submissions from 3 submitters: Uncertain significance (2); Likely benign (1). Last evaluated 2025-12-22.

Conditions:
Alagille syndrome due to a JAG1 point mutation. Also called: Alagille Syndrome 1; JAG1-Related Alagille Syndrome; HEPATIC DUCTULAR HYPOPLASIA, SYNDROMATIC. Identifiers: Orphanet 261619, Orphanet 52, MedGen C1956125, MONDO:0016862, OMIM 118450.
JAG1-related disorder. Also called: JAG1-related condition; JAG1-related disorders.

Allele frequency attached by ClinVar (database versions not stated): gnomAD 0.00001; gnomAD exomes 0.00001; ExAC 0.00002; TOPMed 0.00002; ESP Exome Variant Server 0.00008.
gnomAD v4.1: 10 of 1,613,804 alleles (0.00062%); highest among the groups gnomAD compares: South Asian, 0.0077%; no homozygotes.

Submissions (3):

PreventionGenetics, part of Exact Sciences
Classification: Uncertain significance for JAG1-related condition. Last evaluated: 2025-12-22. Review status: criteria provided, single submitter. Criteria: ACMG Guidelines, 2015. Collection method: clinical testing. Allele origin: germline.
Comment: The JAG1 c.2728G>A variant is predicted to result in the amino acid substitution p.Glu910Lys. To our knowledge, this variant has not been reported in the literature. This variant is reported in 0.0065% of alleles in individuals of South Asian descent in gnomAD. At this time, the clinical significance of this variant is uncertain due to the absence of conclusive functional and genetic evidence.

Labcorp Genetics (formerly Invitae), Labcorp
Classification: Likely benign for Alagille syndrome due to a JAG1 point mutation. Last evaluated: 2024-09-27. Review status: criteria provided, single submitter. Criteria: Invitae Variant Classification Sherloc (09022015). Collection method: clinical testing. Allele origin: germline.

Blueprint Genetics
Classification: Uncertain significance. Last evaluated: 2024-02-22. Review status: criteria provided, single submitter. Criteria: ACMG Guidelines, 2015. Collection method: clinical testing. Allele origin: germline.

NM_000214.3(JAG1):c.2728G>A (p.Glu910Lys)

Gene: JAG1 (jagged canonical Notch ligand 1; minus strand). Cytogenetic location: 20p12.2.
Variant type: single nucleotide variant.
Coding change: c.2728G>A on transcript NM_000214.3 (MANE Select); coding-DNA position 2728, G replaced by A.
Protein change: p.Glu910Lys; replaces glutamic acid 910 with lysine.
Molecular consequence: missense variant.
Genome position (GRCh38, 1-based): chr20:10,641,648, C>T on the plus strand (G>A on the coding strand, the complement: JAG1 is on the minus strand). VCF-style: chr20-10641648-C-T. GRCh37 (hg19) VCF-style: chr20-10622296-C-T.
Other names: c.2728G>A, p.Glu910Lys (LRG_1191t1); short protein forms E910K.
Identifiers: ClinVar variation 536529 (VCV000536529.8), dbSNP rs368734792, ClinGen allele CA9764404.